The following is an entry in ClinVar:

ClinVar aggregate classification (germline): Uncertain significance. Review status: criteria provided, multiple submitters, no conflicts (2 of 4 stars). 3 submissions from 3 submitters: Uncertain significance (3). Last evaluated 2025-10-22.

Conditions:
Inborn genetic diseases. Identifiers: MedGen C0950123, MeSH D030342.
Bethlem myopathy 1A. Also called: Bethlem Muscular Dystrophy; MYOPATHY, BENIGN CONGENITAL, WITH CONTRACTURES; Bethlem myopathy 1. Identifiers: Orphanet 610, MedGen CN029274, MONDO:0024530, OMIM 158810.

Allele frequency attached by ClinVar (database versions not stated): gnomAD exomes below 0.00001; TOPMed below 0.00001.
gnomAD v4.1: 4 of 1,613,172 alleles (0.00025%); highest among the groups gnomAD compares: Non-Finnish European, 0.00034%; no homozygotes.

Submissions (3):

Mayo Clinic Laboratories, Mayo Clinic
Classification: Uncertain significance. Last evaluated: 2025-10-22. Review status: criteria provided, single submitter. Criteria: ACMG Guidelines, 2015. Collection method: clinical testing. Allele origin: germline. Observed: 1 variant allele.

Ambry Genetics
Classification: Uncertain significance for Inborn genetic diseases. Last evaluated: 2023-02-15. Review status: criteria provided, single submitter. Criteria: Ambry Variant Classification Scheme 2023. Collection method: clinical testing. Allele origin: germline.

Labcorp Genetics (formerly Invitae), Labcorp
Classification: Uncertain significance for Bethlem myopathy 1A. Last evaluated: 2022-11-08. Review status: criteria provided, single submitter. Criteria: Invitae Variant Classification Sherloc (09022015). Collection method: clinical testing. Allele origin: germline.
Comment: ClinVar contains an entry for this variant (Variation ID: 1024988). In summary, the available evidence is currently insufficient to determine the role of this variant in disease. Therefore, it has been classified as a Variant of Uncertain Significance. Advanced modeling of protein sequence and biophysical properties (such as structural, functional, and spatial information, amino acid conservation, physicochemical variation, residue mobility, and thermodynamic stability) performed at Invitae indicates that this missense variant is not expected to disrupt COL6A2 protein function. This variant has not been reported in the literature in individuals affected with COL6A2-related conditions. This variant is not present in population databases (gnomAD no frequency). This sequence change replaces leucine, which is neutral and non-polar, with phenylalanine, which is neutral and non-polar, at codon 67 of the COL6A2 protein (p.Leu67Phe).

NM_001849.4(COL6A2):c.199C>T (p.Leu67Phe)

Gene: COL6A2 (collagen type VI alpha 2 chain; plus strand). Cytogenetic location: 21q22.3.
Variant type: single nucleotide variant.
Coding change: c.199C>T on transcript NM_001849.4 (MANE Select); coding-DNA position 199, C replaced by T.
Protein change: p.Leu67Phe; replaces leucine 67 with phenylalanine.
Molecular consequence: missense variant.
Genome position (GRCh38, 1-based): chr21:46,112,062, C>T. VCF-style: chr21-46112062-C-T. GRCh37 (hg19) VCF-style: chr21-47531976-C-T.
Other names: p.Leu67Phe; c.199C>T (NM_001849.3); c.199C>T, p.Leu67Phe (NM_058174.3, NM_058175.3); short protein forms L67F.
Identifiers: ClinVar variation 1024988 (VCV001024988.15), dbSNP rs2078406730, ClinGen allele CA410520230.
Genomic context (GRCh38, chr21:46,112,062, plus strand): 5'-GTGTACTTCGTGCTGGACACCTCGGAGAGCGTCACCATGCAGTCCCCCACGGACATCCTG[C>T]TCTTCCACATGAAGCAGTTCGTGCCGCAGTTCATCAGCCAGCTGCAGAACGAGTTCTACC-3'
Protein context (NP_001840.3, residues 57-77): VTMQSPTDIL[Leu67Phe]FHMKQFVPQF